The following is an entry in ClinVar:

NM_005912.3(MC4R):c.374T>A (p.Ile125Asn)

Gene: MC4R (melanocortin 4 receptor; minus strand). Cytogenetic location: 18q21.32.
Variant type: single nucleotide variant.
Coding change: c.374T>A on transcript NM_005912.3 (MANE Select); coding-DNA position 374, T replaced by A.
Protein change: p.Ile125Asn; replaces isoleucine 125 with asparagine.
Molecular consequence: missense variant.
Genome position (GRCh38, 1-based): chr18:60,371,976, A>T on the plus strand (T>A on the coding strand, the complement: MC4R is on the minus strand). VCF-style: chr18-60371976-A-T. GRCh37 (hg19) VCF-style: chr18-58039209-A-T.
Other names: short protein forms I125N.
Identifiers: ClinVar variation 4888305 (VCV004888305.1).

ClinVar aggregate classification (germline): Likely pathogenic (1 of 4 stars; one submission).

Conditions:
Early onset severe obesity. Identifiers: MedGen C4013980.

Submission:

Cambridge Genomics Laboratory, East Genomic Laboratory Hub, NHS Genomic Medicine Service
Classification: Likely pathogenic for Severe early-onset obesity. Last evaluated: 2024-09-16. Review status: criteria provided, single submitter. Criteria: ACGS Best Practice Guidelines for Variant Classification in Rare Disease 2020. Collection method: clinical testing. Allele origin: germline. Affected: yes.
Comment: The missense variant NM_005912.3(MC4R):c.374T>A (p.Ile125Asn) causes a change at the same amino acid residue as a previously established pathogenic variant. (PM5 - Moderate) | The p.Ile125Asn variant is novel (not in any individuals) in gnomAD All. The p.Ile125Asn variant is novel (not in any individuals) in 1kG All. (PM2 - Moderate) | 2 variants within 6 amino acid positions of the variant p.Ile125Asn have been shown to be pathogenic, while only 1 have been shown to be benign. (PM1 - Moderate) | The patient's phenotype or family history is highly specific for a disease with a single genetic etiology. (PP4 - Supporting)